The following is an entry in ClinVar:

ClinVar aggregate classification (germline): Uncertain significance. Review status: criteria provided, multiple submitters, no conflicts (2 of 4 stars). 2 submissions from 2 submitters: Uncertain significance (2). Last evaluated 2024-03-06.

Conditions:
Familial thoracic aortic aneurysm and aortic dissection (TAAD). Also called: Thoracic aortic aneurysms and dissections. Identifiers: Orphanet 91387, MedGen C4707243, MONDO:0019625.

Submissions (2):

Color Diagnostics, LLC DBA Color Health
Classification: Uncertain significance for Familial thoracic aortic aneurysm and aortic dissection. Last evaluated: 2024-03-06. Review status: criteria provided, single submitter. Criteria: ACMG Guidelines, 2015. Collection method: clinical testing. Allele origin: germline.
Comment: This missense variant replaces lysine with threonine at codon 745 of the MYH11 protein. Computational prediction suggests that this variant may have deleterious impact on protein structure and function (internally defined REVEL score threshold >= 0.7, PMID: 27666373). To our knowledge, functional studies have not been reported for this variant. This variant has not been reported in individuals affected with cardiovascular disorders in the literature. This variant has not been identified in the general population by the Genome Aggregation Database (gnomAD). The available evidence is insufficient to determine the role of this variant in disease conclusively. Therefore, this variant is classified as a Variant of Uncertain Significance.

All of Us Research Program, National Institutes of Health
Classification: Uncertain significance for Familial thoracic aortic aneurysm and aortic dissection. Last evaluated: 2023-04-27. Review status: criteria provided, single submitter. Criteria: ACMG Guidelines, 2015. Collection method: clinical testing. Allele origin: germline. Inheritance: Autosomal dominant inheritance. Observed: 2 variant alleles, 2 heterozygotes.
Comment: This missense variant replaces lysine with threonine at codon 745 of the MYH11 protein. Computational prediction suggests that this variant may have deleterious impact on protein structure and function (internally defined REVEL score threshold >= 0.7, PMID: 27666373). To our knowledge, functional studies have not been reported for this variant. This variant has not been reported in individuals affected with cardiovascular disorders in the literature. This variant has not been identified in the general population by the Genome Aggregation Database (gnomAD). The available evidence is insufficient to determine the role of this variant in disease conclusively. Therefore, this variant is classified as a Variant of Uncertain Significance.

This study involves interpretation of variants in research participants for the purpose of population health screening. Participant phenotype was not available at the time of variant classification. Additional details can be found in publication PMID: 35346344, PMCID: PMC8962531

NM_002474.3(MYH11):c.2213A>C (p.Lys738Thr)

Gene: MYH11 (myosin heavy chain 11; minus strand). Cytogenetic location: 16p13.11.
Variant type: single nucleotide variant.
Coding change: c.2213A>C on transcript NM_002474.3 (MANE Select); coding-DNA position 2213, A replaced by C.
Protein change: p.Lys738Thr; replaces lysine 738 with threonine.
Molecular consequence: missense variant.
Genome position (GRCh38, 1-based): chr16:15,747,911, T>G on the plus strand (A>C on the coding strand, the complement: MYH11 is on the minus strand). VCF-style: chr16-15747911-T-G. GRCh37 (hg19) VCF-style: chr16-15841768-T-G.
Other names: c.2234A>C, p.Lys745Thr (NM_001040113.2, NM_001040114.2); c.2213A>C, p.Lys738Thr (NM_022844.3); short protein forms K738T, K745T.
Identifiers: ClinVar variation 1171968 (VCV001171968.4), dbSNP rs1555560379, ClinGen allele CA394867766.